The following is an entry in ClinVar:

NM_004563.4(PCK2):c.718G>A (p.Val240Met)

Genes: NRL (neural retina leucine zipper; minus strand), PCK2 (phosphoenolpyruvate carboxykinase 2, mitochondrial; plus strand). Cytogenetic location: 14q11.2.
Variant type: single nucleotide variant.
Coding change: c.718G>A on transcript NM_004563.4 (MANE Select); coding-DNA position 718, G replaced by A.
Protein change: p.Val240Met; replaces valine 240 with methionine.
Molecular consequence: missense variant. On other transcripts: intron variant (3).
Genome position (GRCh38, 1-based): chr14:24,099,102, G>A. VCF-style: chr14-24099102-G-A. GRCh37 (hg19) VCF-style: chr14-24568311-G-A.
Other names: c.718G>A, p.Val240Met (NM_001018073.3); c.316G>A, p.Val106Met (NM_001291556.2, NM_001308054.2); c.-28+15620C>T (NM_001354768.3, NM_001354770.2); c.-253-14357C>T (NM_006177.5); short protein forms V240M, V106M.
Identifiers: ClinVar variation 2916202 (VCV002916202.3), dbSNP rs759802880, ClinGen allele CA7123207.

ClinVar aggregate classification (germline): Uncertain significance (1 of 4 stars; one submission).

Allele frequency attached by ClinVar (database versions not stated): gnomAD 0.00002; TOPMed 0.00004.
gnomAD v4.1: 49 of 1,611,530 alleles (0.003%); highest among the groups gnomAD compares: East Asian, 0.016%; no homozygotes.

Submission:

Labcorp Genetics (formerly Invitae), Labcorp
Classification: Uncertain significance. Last evaluated: 2023-11-16. Review status: criteria provided, single submitter. Criteria: Invitae Variant Classification Sherloc (09022015). Collection method: clinical testing. Allele origin: germline.
Comment: This sequence change replaces valine, which is neutral and non-polar, with methionine, which is neutral and non-polar, at codon 240 of the PCK2 protein (p.Val240Met). This variant is present in population databases (rs759802880, gnomAD 0.04%). This variant has not been reported in the literature in individuals affected with PCK2-related conditions. Advanced modeling of protein sequence and biophysical properties (such as structural, functional, and spatial information, amino acid conservation, physicochemical variation, residue mobility, and thermodynamic stability) performed at Invitae indicates that this missense variant is not expected to disrupt PCK2 protein function with a negative predictive value of 80%. In summary, the available evidence is currently insufficient to determine the role of this variant in disease. Therefore, it has been classified as a Variant of Uncertain Significance.